The following is an entry in ClinVar:

ClinVar aggregate classification (germline): Uncertain significance (1 of 4 stars; one submission).

Conditions:
Hereditary sensory and autonomic neuropathy type 7. Also called: Neuropathy, hereditary sensory and autonomic, type VII; HSAN VII. Identifiers: Orphanet 391397, MedGen C3809882, MONDO:0014244, OMIM 615548.
Familial episodic pain syndrome with predominantly lower limb involvement. Also called: Episodic pain syndrome, familial, 3. Identifiers: Orphanet 391384, Orphanet 391392, MedGen C3809899, MONDO:0014247, OMIM 615552.

Allele frequency attached by ClinVar (database versions not stated): gnomAD 0.00001; TOPMed 0.00001.

Submission:

Labcorp Genetics (formerly Invitae), Labcorp
Classification: Uncertain significance for Familial episodic pain syndrome with predominantly lower limb involvement; Hereditary sensory and autonomic neuropathy type 7. Last evaluated: 2022-07-12. Review status: criteria provided, single submitter. Criteria: Invitae Variant Classification Sherloc (09022015). Collection method: clinical testing. Allele origin: germline.
Comment: This sequence change replaces methionine, which is neutral and non-polar, with valine, which is neutral and non-polar, at codon 1748 of the SCN11A protein (p.Met1748Val). This variant is present in population databases (no rsID available, gnomAD 0.0009%). This variant has not been reported in the literature in individuals affected with SCN11A-related conditions. ClinVar contains an entry for this variant (Variation ID: 641460). Algorithms developed to predict the effect of missense changes on protein structure and function (SIFT, PolyPhen-2, Align-GVGD) all suggest that this variant is likely to be tolerated. Algorithms developed to predict the effect of sequence changes on RNA splicing suggest that this variant may create or strengthen a splice site. In summary, the available evidence is currently insufficient to determine the role of this variant in disease. Therefore, it has been classified as a Variant of Uncertain Significance.

NM_001349253.2(SCN11A):c.5242A>G (p.Met1748Val)

Gene: SCN11A (sodium voltage-gated channel alpha subunit 11; minus strand). Cytogenetic location: 3p22.2.
Variant type: single nucleotide variant.
Coding change: c.5242A>G on transcript NM_001349253.2 (MANE Select); coding-DNA position 5242, A replaced by G.
Protein change: p.Met1748Val; replaces methionine 1748 with valine.
Molecular consequence: missense variant.
Genome position (GRCh38, 1-based): chr3:38,846,828, T>C on the plus strand (A>G on the coding strand, the complement: SCN11A is on the minus strand). VCF-style: chr3-38846828-T-C. GRCh37 (hg19) VCF-style: chr3-38888319-T-C.
Other names: c.5242A>G, p.Met1748Val (NM_014139.3); short protein forms M1748V.
Identifiers: ClinVar variation 641460 (VCV000641460.5), dbSNP rs780051659, ClinGen allele CA352159620.